The following is an entry in ClinVar:

ClinVar aggregate classification (germline): Uncertain significance. Review status: criteria provided, multiple submitters, no conflicts (2 of 4 stars). 2 submissions from 2 submitters: Uncertain significance (2). Last evaluated 2025-11-25.

Conditions:
TTN-related disorder. Also called: TTN-related condition; TTN-related disease; TTN-related disorders.
Early-onset myopathy with fatal cardiomyopathy (CMYO5). Also called: Salih Myopathy; CONGENITAL MYOPATHY 5 WITH CARDIOMYOPATHY. Identifiers: Orphanet 289377, MedGen C2673677, MONDO:0012714, OMIM 611705. Disease mechanism: loss of function.

Allele frequency attached by ClinVar (database versions not stated): gnomAD exomes 0.00002 and 0.00004; TOPMed 0.00002; ExAC 0.00003; gnomAD 0.00003 and 0.00004; ESP Exome Variant Server 0.00008.
gnomAD v4.1: 36 of 1,613,458 alleles (0.0022%); highest among the groups gnomAD compares: East Asian, 0.0067%; no homozygotes.

Submissions (2):

PreventionGenetics, part of Exact Sciences
Classification: Uncertain significance for TTN-related condition. Last evaluated: 2025-11-25. Review status: criteria provided, single submitter. Criteria: ACMG Guidelines, 2015. Collection method: clinical testing. Allele origin: germline.
Comment: The TTN c.10690G>C variant is predicted to result in the amino acid substitution p.Asp3564His. To our knowledge, this variant has not been reported in the literature. This variant is reported in 0.0095% of alleles in individuals of European (Non-Finnish) descent in gnomAD. At this time, the clinical significance of this variant is uncertain due to the absence of conclusive functional and genetic evidence.

Baylor Genetics
Classification: Uncertain significance for Early-onset myopathy with fatal cardiomyopathy. Last evaluated: 2019-10-18. Review status: criteria provided, single submitter. Criteria: ACMG Guidelines, 2015. Collection method: clinical testing. Allele origin: unknown. Affected: yes.
Comment: This variant was determined to be of uncertain significance according to ACMG Guidelines, 2015 [PMID:25741868].

NM_001267550.2(TTN):c.10690G>C (p.Asp3564His)

Gene: TTN (titin; minus strand). Cytogenetic location: 2q31.2.
Variant type: single nucleotide variant.
Coding change: c.10690G>C on transcript NM_001267550.2 (MANE Select); coding-DNA position 10690, G replaced by C.
Protein change: p.Asp3564His; replaces aspartic acid 3564 with histidine.
Molecular consequence: missense variant. On other transcripts: intron variant (5).
Genome position (GRCh38, 1-based): chr2:178,756,786, C>G on the plus strand (G>C on the coding strand, the complement: TTN is on the minus strand). VCF-style: chr2-178756786-C-G. GRCh37 (hg19) VCF-style: chr2-179621513-C-G.
Other names: c.10177G>C, p.Asp3393His (NM_133437.4); c.10165+2198G>C (NM_003319.4); c.10540+756G>C (NM_133432.3); c.10303+2198G>C (NM_133378.4, NM_001256850.1, NM_133379.5); short protein forms D3393H, D3564H.
Identifiers: ClinVar variation 1027851 (VCV001027851.2), dbSNP rs371708823, ClinGen allele CA2004051.